The following is an entry in ClinVar:

NM_032119.4(ADGRV1):c.15643T>G (p.Ser5215Ala)

Gene: ADGRV1 (adhesion G protein-coupled receptor V1; plus strand). Cytogenetic location: 5q14.3.
Variant type: single nucleotide variant.
Coding change: c.15643T>G on transcript NM_032119.4 (MANE Select); coding-DNA position 15643, T replaced by G.
Protein change: p.Ser5215Ala; replaces serine 5215 with alanine.
Molecular consequence: missense variant. On other transcripts: non-coding transcript variant (1).
Genome position (GRCh38, 1-based): chr5:90,810,903, T>G. VCF-style: chr5-90810903-T-G. GRCh37 (hg19) VCF-style: chr5-90106720-T-G.
Other names: short protein forms S5215A.
Identifiers: ClinVar variation 2105474 (VCV002105474.4), dbSNP rs1219125381, ClinGen allele CA360410362.

ClinVar aggregate classification (germline): Uncertain significance (1 of 4 stars; one submission).

Allele frequency attached by ClinVar (database versions not stated): gnomAD exomes below 0.00001.
gnomAD v4.1: 2 of 1,614,010 alleles (0.00012%); highest among the groups gnomAD compares: Non-Finnish European, 0.000085%; no homozygotes.

Submission:

Labcorp Genetics (formerly Invitae), Labcorp
Classification: Uncertain significance. Last evaluated: 2022-03-01. Review status: criteria provided, single submitter. Criteria: Invitae Variant Classification Sherloc (09022015). Collection method: clinical testing. Allele origin: germline.
Comment: In summary, the available evidence is currently insufficient to determine the role of this variant in disease. Therefore, it has been classified as a Variant of Uncertain Significance. Algorithms developed to predict the effect of missense changes on protein structure and function output the following: SIFT: "Tolerated"; PolyPhen-2: "Benign"; Align-GVGD: "Class C0". The alanine amino acid residue is found in multiple mammalian species, which suggests that this missense change does not adversely affect protein function. This variant has not been reported in the literature in individuals affected with ADGRV1-related conditions. This variant is not present in population databases (gnomAD no frequency). This sequence change replaces serine, which is neutral and polar, with alanine, which is neutral and non-polar, at codon 5215 of the ADGRV1 protein (p.Ser5215Ala).